The following is an entry in ClinVar:

ClinVar aggregate classification (germline): Pathogenic/Likely pathogenic. Review status: criteria provided, multiple submitters, no conflicts (2 of 4 stars). 2 submissions from 2 submitters: Pathogenic (1); Likely pathogenic (1). Last evaluated 2024-03-01.

Conditions:
Centronuclear myopathy (CNM). Also called: Myotubular myopathy; Centronuclear myopathy, congenital. Identifiers: Orphanet 595, MedGen C0175709, MONDO:0018947. Inheritance: All.
RYR1-related disorder. Also called: RYR1-related condition; RYR1-related disorders. Identifiers: MedGen CN239331.

Submissions (2):

Muscle and Diseases Team, Institut de Génétique et Biologie Moléculaire et Cellulaire
Classification: Pathogenic for Centronuclear myopathy. Last evaluated: 2024-03-01. Review status: criteria provided, single submitter. Criteria: ACMG Guidelines, 2015. Collection method: research. Allele origin: unknown. Affected: yes. Observed: 1 variant allele.
Comment: PVS1+PM2+PP1

Labcorp Genetics (formerly Invitae), Labcorp
Classification: Likely pathogenic for RYR1-related disorder. Last evaluated: 2021-07-30. Review status: criteria provided, single submitter. Criteria: Invitae Variant Classification Sherloc (09022015). Collection method: clinical testing. Allele origin: germline.
Comment: This sequence change affects a donor splice site in intron 14 of the RYR1 gene. It is expected to disrupt RNA splicing. Variants that disrupt the donor or acceptor splice site typically lead to a loss of protein function (PMID: 16199547), and loss-of-function variants in RYR1 are known to be pathogenic (PMID: 20583297, 20839240, 23919265, 28818389). This variant is not present in population databases (ExAC no frequency). Disruption of this splice site has been observed in individual(s) with centronuclear myopathy (PMID: 28818389). Algorithms developed to predict the effect of sequence changes on RNA splicing suggest that this variant may disrupt the consensus splice site. In summary, the currently available evidence indicates that the variant is pathogenic, but additional data are needed to prove that conclusively. Therefore, this variant has been classified as Likely Pathogenic.

Literature cited by the submitters: DOI 10.1186/s13073-024-01353-0 (cited by Muscle and Diseases Team, Institut de Génétique et Biologie Moléculaire et Cellulaire); PubMed 28818389 (cited by Muscle and Diseases Team, Institut de Génétique et Biologie Moléculaire et Cellulaire and Labcorp Genetics (formerly Invitae), Labcorp); PubMed 16199547 (cited by Labcorp Genetics (formerly Invitae), Labcorp); PubMed 20583297 (cited by Labcorp Genetics (formerly Invitae), Labcorp); PubMed 20839240 (cited by Labcorp Genetics (formerly Invitae), Labcorp); PubMed 23919265 (cited by Labcorp Genetics (formerly Invitae), Labcorp).

NM_000540.3(RYR1):c.1576+1G>A

Gene: RYR1 (ryanodine receptor 1; plus strand). Cytogenetic location: 19q13.2.
Variant type: single nucleotide variant.
Coding change: c.1576+1G>A on transcript NM_000540.3 (MANE Select); the canonical splice donor site of the intron after coding-DNA position 1576, G replaced by A.
Molecular consequence: splice donor variant.
Genome position (GRCh38, 1-based): chr19:38,455,371, G>A. VCF-style: chr19-38455371-G-A. GRCh37 (hg19) VCF-style: chr19-38946011-G-A.
Other names: c.1576+1G>A (NM_001042723.2).
Identifiers: ClinVar variation 1498610 (VCV001498610.8), dbSNP rs2145393963, ClinGen allele CA405689410.